The following is an entry in ClinVar:

ClinVar aggregate classification (germline): Uncertain significance (1 of 4 stars; one submission).

Submission:

Ambry Genetics
Classification: Uncertain significance. Last evaluated: 2025-03-29. Review status: criteria provided, single submitter. Criteria: Ambry Variant Classification Scheme 2023. Collection method: clinical testing. Allele origin: germline.
Comment: The p.A1769D variant (also known as c.5306C>A), located in coding exon 22 of the WNK2 gene, results from a C to A substitution at nucleotide position 5306. The alanine at codon 1769 is replaced by aspartic acid, an amino acid with dissimilar properties. This amino acid position is conserved. In addition, this alteration is predicted to be deleterious by in silico analysis. Based on the available evidence, the clinical significance of this variant remains unclear.

NM_006648.4(WNK2):c.5306C>A (p.Ala1769Asp)

Gene: WNK2 (WNK lysine deficient protein kinase 2; plus strand). Cytogenetic location: 9q22.31.
Variant type: single nucleotide variant.
Coding change: c.5306C>A on transcript NM_006648.4 (MANE Select); coding-DNA position 5306, C replaced by A.
Protein change: p.Ala1769Asp; replaces alanine 1769 with aspartic acid.
Molecular consequence: missense variant.
Genome position (GRCh38, 1-based): chr9:93,292,771, C>A. VCF-style: chr9-93292771-C-A. GRCh37 (hg19) VCF-style: chr9-96055053-C-A.
Other names: c.5417C>A, p.Ala1806Asp (NM_001282394.3); short protein forms A1806D, A1769D.
Identifiers: ClinVar variation 3981758 (VCV003981758.1).
Genomic context (GRCh38, chr9:93,292,771, plus strand): 5'-CGGTGGTCAGCACTCAGGACGAGTGGACCCTGGCCTCCCCCCACAGCCTGAGATACTCTG[C>A]CCCACCCGACGTCTACCTGGACGAGGCCCCCTCCAGCCCCGACGTGAAGCTGGCAGTGCG-3'
Protein context (NP_006639.3, residues 1759-1779): LASPHSLRYS[Ala1769Asp]PPDVYLDEAP